The following is an entry in ClinVar:

NM_001184.4(ATR):c.3022C>T (p.Pro1008Ser)

Gene: ATR (ATR checkpoint kinase; minus strand). Cytogenetic location: 3q23.
Variant type: single nucleotide variant.
Coding change: c.3022C>T on transcript NM_001184.4 (MANE Select); coding-DNA position 3022, C replaced by T.
Protein change: p.Pro1008Ser; replaces proline 1008 with serine.
Molecular consequence: missense variant.
Genome position (GRCh38, 1-based): chr3:142,549,628, G>A on the plus strand (C>T on the coding strand, the complement: ATR is on the minus strand). VCF-style: chr3-142549628-G-A. GRCh37 (hg19) VCF-style: chr3-142268470-G-A.
Other names: c.3022C>T (NM_001184.3); c.2830C>T, p.Pro944Ser (NM_001354579.2); short protein forms P944S, P1008S.
Identifiers: ClinVar variation 1490647 (VCV001490647.7), dbSNP rs2108455038, ClinGen allele CA354812511.

ClinVar aggregate classification (germline): Uncertain significance. Review status: criteria provided, multiple submitters, no conflicts (2 of 4 stars). 2 submissions from 2 submitters: Uncertain significance (2). Last evaluated 2024-02-24.

Conditions:
Inborn genetic diseases. Identifiers: MedGen C0950123, MeSH D030342.

Allele frequency attached by ClinVar (database versions not stated): gnomAD exomes below 0.00001.
gnomAD v4.1: 1 of 1,613,546 alleles (0.000062%); highest among the groups gnomAD compares: Non-Finnish European, 0.000085%; no homozygotes.

Submissions (2):

Labcorp Genetics (formerly Invitae), Labcorp
Classification: Uncertain significance. Last evaluated: 2024-02-24. Review status: criteria provided, single submitter. Criteria: Invitae Variant Classification Sherloc (09022015). Collection method: clinical testing. Allele origin: germline.
Comment: This sequence change replaces proline, which is neutral and non-polar, with serine, which is neutral and polar, at codon 1008 of the ATR protein (p.Pro1008Ser). This variant is not present in population databases (gnomAD no frequency). This variant has not been reported in the literature in individuals affected with ATR-related conditions. ClinVar contains an entry for this variant (Variation ID: 1490647). An algorithm developed to predict the effect of missense changes on protein structure and function (PolyPhen-2) suggests that this variant is likely to be tolerated. In summary, the available evidence is currently insufficient to determine the role of this variant in disease. Therefore, it has been classified as a Variant of Uncertain Significance.

Ambry Genetics
Classification: Uncertain significance for Inborn genetic diseases. Last evaluated: 2023-11-23. Review status: criteria provided, single submitter. Criteria: Ambry Variant Classification Scheme 2023. Collection method: clinical testing. Allele origin: germline.
Comment: The p.P1008S variant (also known as c.3022C>T), located in coding exon 15 of the ATR gene, results from a C to T substitution at nucleotide position 3022. The proline at codon 1008 is replaced by serine, an amino acid with similar properties. This amino acid position is conserved. In addition, this alteration is predicted to be tolerated by in silico analysis. Since supporting evidence is limited at this time, the clinical significance of this alteration remains unclear.